The following is an entry in ClinVar:

ClinVar aggregate classification (germline): Pathogenic (1 of 4 stars; one submission).

Conditions:
Ehlers-Danlos syndrome, classic type, 1 (EDSCL1). Also called: Ehlers-Danlos Syndrome, Classic Type, COL5A1-Related; EHLERS-DANLOS SYNDROME, GRAVIS TYPE; EHLERS-DANLOS SYNDROME, SEVERE CLASSIC TYPE; Ehlers-Danlos syndrome, type 1; EDS I. Identifiers: MedGen C0268335, MONDO:0019567, OMIM 130000.
Osteogenesis imperfecta type I (OI1). Also called: OI, TYPE I; OSTEOGENESIS IMPERFECTA TARDA; OSTEOGENESIS IMPERFECTA WITH BLUE SCLERAE; Osteogenesis imperfecta type 1; Classic Non-deforming Osteogenesis Imperfecta with Blue Sclerae; Lobstein's Disease. Identifiers: Orphanet 216796, Orphanet 666, MedGen C0023931, MONDO:0008146, OMIM 166200. Disease mechanism: loss of function.

Submission:

Labcorp Genetics (formerly Invitae), Labcorp
Classification: Pathogenic for Osteogenesis imperfecta type I; Ehlers-Danlos syndrome, classic type, 1. Last evaluated: 2024-07-02. Review status: criteria provided, single submitter. Criteria: Invitae Variant Classification Sherloc (09022015). Collection method: clinical testing. Allele origin: germline.
Comment: This sequence change replaces glycine, which is neutral and non-polar, with arginine, which is basic and polar, at codon 193 of the COL1A2 protein (p.Gly193Arg). This variant is not present in population databases (gnomAD no frequency). This missense change has been observed in individual(s) with autosomal dominant osteogenesis imperfecta (PMID: 27509835, 30886339). ClinVar contains an entry for this variant (Variation ID: 2136559). Advanced modeling of protein sequence and biophysical properties (such as structural, functional, and spatial information, amino acid conservation, physicochemical variation, residue mobility, and thermodynamic stability) performed at Invitae indicates that this missense variant is expected to disrupt COL1A2 protein function with a positive predictive value of 95%. This variant disrupts the triple helix domain of COL1A2. Glycine residues within the Gly-Xaa-Yaa repeats of the triple helix domain are required for the structure and stability of fibrillar collagens (PMID: 7695699, 8218237, 19344236). In COL1A2, variants affecting these glycine residues are significantly enriched in individuals with disease (PMID: 9016532, 17078022) compared to the general population (ExAC). For these reasons, this variant has been classified as Pathogenic.

Literature cited by the submitters: PubMed 27509835; PubMed 30886339; PubMed 7695699; PubMed 8218237; PubMed 19344236; PubMed 9016532; PubMed 17078022.

NM_000089.4(COL1A2):c.577G>C (p.Gly193Arg)

Gene: COL1A2 (collagen type I alpha 2 chain; plus strand). Cytogenetic location: 7q21.3.
Variant type: single nucleotide variant.
Coding change: c.577G>C on transcript NM_000089.4 (MANE Select); coding-DNA position 577, G replaced by C.
Protein change: p.Gly193Arg; replaces glycine 193 with arginine.
Molecular consequence: missense variant.
Genome position (GRCh38, 1-based): chr7:94,406,286, G>C. VCF-style: chr7-94406286-G-C. GRCh37 (hg19) VCF-style: chr7-94035598-G-C.
Other names: short protein forms G193R.
Identifiers: ClinVar variation 2136559 (VCV002136559.4), dbSNP rs72656370, ClinGen allele CA368220079.